The following is an entry in ClinVar:

ClinVar aggregate classification (germline): Uncertain significance (1 of 4 stars; one submission).

Allele frequency attached by ClinVar (database versions not stated): gnomAD 0.00001; gnomAD exomes 0.00001; TOPMed 0.00001.
gnomAD v4.1: 18 of 1,613,696 alleles (0.0011%); highest among the groups gnomAD compares: African/African-American, 0.004%; no homozygotes.

Submission:

Labcorp Genetics (formerly Invitae), Labcorp
Classification: Uncertain significance. Last evaluated: 2024-09-05. Review status: criteria provided, single submitter. Criteria: Invitae Variant Classification Sherloc (09022015). Collection method: clinical testing. Allele origin: germline.
Comment: This sequence change replaces alanine, which is neutral and non-polar, with threonine, which is neutral and polar, at codon 1489 of the CACNA1E protein (p.Ala1489Thr). This variant is present in population databases (no rsID available, gnomAD 0.004%). This variant has not been reported in the literature in individuals affected with CACNA1E-related conditions. ClinVar contains an entry for this variant (Variation ID: 1402535). Invitae Evidence Modeling of protein sequence and biophysical properties (such as structural, functional, and spatial information, amino acid conservation, physicochemical variation, residue mobility, and thermodynamic stability) has been performed for this missense variant. However, the output from this modeling did not meet the statistical confidence thresholds required to predict the impact of this variant on CACNA1E protein function. In summary, the available evidence is currently insufficient to determine the role of this variant in disease. Therefore, it has been classified as a Variant of Uncertain Significance.

NM_001205293.3(CACNA1E):c.4465G>A (p.Ala1489Thr)

Gene: CACNA1E (calcium voltage-gated channel subunit alpha1 E; plus strand). Cytogenetic location: 1q25.3.
Variant type: single nucleotide variant.
Coding change: c.4465G>A on transcript NM_001205293.3 (MANE Select); coding-DNA position 4465, G replaced by A.
Protein change: p.Ala1489Thr; replaces alanine 1489 with threonine.
Molecular consequence: missense variant.
Genome position (GRCh38, 1-based): chr1:181,758,082, G>A. VCF-style: chr1-181758082-G-A. GRCh37 (hg19) VCF-style: chr1-181727218-G-A.
Other names: c.4465G>A, p.Ala1489Thr (NM_000721.4); c.4408G>A, p.Ala1470Thr (NM_001205294.2); short protein forms A1470T, A1489T.
Identifiers: ClinVar variation 1402535 (VCV001402535.8), dbSNP rs1188254439, ClinGen allele CA343625215.